The following is an entry in ClinVar:

ClinVar aggregate classification (germline): Likely benign. Review status: criteria provided, single submitter (1 of 4 stars). 2 submissions from 2 submitters: Likely benign (1). 1 of the submissions does not count toward it. Last evaluated 2026-06-01.

Conditions:
TNRC6B-related disorder. Also called: TNRC6B-related condition.

Allele frequency attached by ClinVar (database versions not stated): 1000 Genomes Project 30x 0.00062; ExAC 0.00076; 1000 Genomes Project 0.00080; ESP Exome Variant Server 0.00134.
gnomAD v4.1: 310 of 1,571,560 alleles (0.02%); highest among the groups gnomAD compares: African/African-American, 0.32%; no homozygotes.

Submissions (2):

CeGaT Center for Human Genetics Tuebingen
Classification: Likely benign. Last evaluated: 2026-06-01. Review status: criteria provided, single submitter. Criteria: CeGaT Center For Human Genetics Tuebingen Variant Classification Criteria Version 2. Collection method: clinical testing. Allele origin: germline. Affected: yes. Observed: 1 variant allele.
Comment: TNRC6B: BP4, BP7, BS1

PreventionGenetics, part of Exact Sciences
Classification: Likely benign for TNRC6B-related condition. Last evaluated: 2023-11-22. Review status: no assertion criteria provided. Collection method: clinical testing. Allele origin: germline. Not counted in ClinVar's aggregate classification.
Comment: This variant is classified as likely benign based on ACMG/AMP sequence variant interpretation guidelines (Richards et al. 2015 PMID: 25741868, with internal and published modifications).

NM_001162501.2(TNRC6B):c.4035G>A (p.Pro1345=)

Gene: TNRC6B (trinucleotide repeat containing adaptor 6B; plus strand). Cytogenetic location: 22q13.1.
Variant type: single nucleotide variant.
Coding change: c.4035G>A on transcript NM_001162501.2 (MANE Select); coding-DNA position 4035, G replaced by A.
Protein change: p.Pro1345=; no amino-acid change (proline 1345 retained).
Molecular consequence: synonymous variant.
Genome position (GRCh38, 1-based): chr22:40,301,248, G>A. VCF-style: chr22-40301248-G-A. GRCh37 (hg19) VCF-style: chr22-40697252-G-A.
Other names: c.1623G>A, p.Pro541= (NM_001024843.2); c.3705G>A, p.Pro1235= (NM_015088.3).
Identifiers: ClinVar variation 3036565 (VCV003036565.4), dbSNP rs375120667, ClinGen allele CA10247205.